The following is an entry in ClinVar:

ClinVar aggregate classification (germline): Uncertain significance (1 of 4 stars; one submission).

Conditions:
Malignant hyperthermia, susceptibility to, 1 (MHS1). Also called: Anesthesia related hyperthermia; Malignant hyperpyrexia; Fulminating hyperpyrexia; Pharmacogenic myopathy; Malignant hyperthermia suceptibility 1; RYR1-Related Malignant Hyperthermia Susceptibility. Identifiers: Orphanet 423, MedGen C2930980, MONDO:0007783, OMIM 145600.

Submission:

All of Us Research Program, National Institutes of Health
Classification: Uncertain significance for Malignant hyperthermia, susceptibility to, 1. Last evaluated: 2024-05-14. Review status: criteria provided, single submitter. Criteria: ACMG Guidelines, 2015. Collection method: clinical testing. Allele origin: germline. Inheritance: Autosomal dominant inheritance. Observed: 1 variant allele, 1 heterozygote.
Comment: This missense variant replaces threonine with asparagine at codon 2645 of the RYR1 protein. Computational prediction suggests that this variant may have deleterious impact on protein structure and function (internally defined REVEL score threshold >= 0.7, PMID: 27666373). To our knowledge, functional studies have not been reported for this variant. This variant has not been reported in individuals affected with RYR1-related disorders in the literature. This variant has not been identified in the general population by the Genome Aggregation Database (gnomAD). The available evidence is insufficient to determine the role of this variant in disease conclusively. Therefore, this variant is classified as a Variant of Uncertain Significance.

This study involves interpretation of variants in research participants for the purpose of population health screening. Participant phenotype was not available at the time of variant classification. Additional details can be found in publication PMID: 35346344, PMCID: PMC8962531

NM_000540.3(RYR1):c.7934C>A (p.Thr2645Asn)

Gene: RYR1 (ryanodine receptor 1; plus strand). Cytogenetic location: 19q13.2.
Variant type: single nucleotide variant.
Coding change: c.7934C>A on transcript NM_000540.3 (MANE Select); coding-DNA position 7934, C replaced by A.
Protein change: p.Thr2645Asn; replaces threonine 2645 with asparagine.
Molecular consequence: missense variant.
Genome position (GRCh38, 1-based): chr19:38,504,227, C>A. VCF-style: chr19-38504227-C-A. GRCh37 (hg19) VCF-style: chr19-38994867-C-A.
Other names: c.7934C>A, p.Thr2645Asn (NM_001042723.2); short protein forms T2645N.
Identifiers: ClinVar variation 3385461 (VCV003385461.1).